The following is an entry in ClinVar:

NM_006941.4(SOX10):c.601G>A (p.Ala201Thr)

Genes: POLR2F (RNA polymerase II, I and III subunit F; plus strand), SOX10 (SRY-box transcription factor 10; minus strand). Cytogenetic location: 22q13.1.
Variant type: single nucleotide variant.
Coding change: c.601G>A on transcript NM_006941.4 (MANE Select); coding-DNA position 601, G replaced by A.
Protein change: p.Ala201Thr; replaces alanine 201 with threonine.
Molecular consequence: missense variant. On other transcripts: intron variant (3).
Genome position (GRCh38, 1-based): chr22:37,977,963, C>T on the plus strand (G>A on the coding strand, the complement: SOX10 is on the minus strand). VCF-style: chr22-37977963-C-T. GRCh37 (hg19) VCF-style: chr22-38373970-C-T.
Other names: p.Ala201Thr; c.*38+5653C>T (NM_001363825.1); c.294-8191C>T (NM_001301130.2); c.293+10793C>T (NM_001301131.2); short protein forms A201T.
Identifiers: ClinVar variation 1961580 (VCV001961580.7), dbSNP rs61756177, ClinGen allele CA10228645.

ClinVar aggregate classification (germline): Conflicting classifications of pathogenicity. Review status: criteria provided, conflicting classifications (1 of 4 stars). 3 submissions from 3 submitters: Uncertain significance (2); Benign (1). Last evaluated 2025-08-11.

Allele frequency attached by ClinVar (database versions not stated): gnomAD exomes 0.00001; gnomAD 0.00004; TOPMed 0.00006; ExAC 0.00003.
gnomAD v4.1: 22 of 1,612,016 alleles (0.0014%); highest among the groups gnomAD compares: Middle Eastern, 0.017%; no homozygotes.

Submissions (3):

Labcorp Genetics (formerly Invitae), Labcorp
Classification: Benign. Last evaluated: 2025-08-11. Review status: criteria provided, single submitter. Criteria: Invitae Variant Classification Sherloc (09022015). Collection method: clinical testing. Allele origin: germline.

Women's Health and Genetics/Laboratory Corporation of America, LabCorp
Classification: Uncertain significance. Last evaluated: 2024-05-06. Review status: criteria provided, single submitter. Criteria: LabCorp Variant Classification Summary - May 2015. Collection method: clinical testing. Allele origin: germline.
Comment: Variant summary: SOX10 c.601G>A (p.Ala201Thr) results in a non-conservative amino acid change in the encoded protein sequence. Three of five in-silico tools predict a damaging effect of the variant on protein function. The variant allele was found at a frequency of 1.4e-05 in 1612016 control chromosomes. c.601G>A has been reported in the literature in at least one individual affected with hypogonadotropic hypogonadism and authors classified this variant as likely benign (Kallman syndrome) (e.g. Federici_2022). This report does not provide unequivocal conclusions about association of the variant with Waardenburg Syndrome Type 2E. To our knowledge, no experimental evidence demonstrating an impact on protein function has been reported. The following publication has been ascertained in the context of this evaluation (PMID: 36531499). ClinVar contains an entry for this variant (Variation ID: 1961580). Based on the evidence outlined above, the variant was classified as VUS-possibly benign.

Mayo Clinic Laboratories, Mayo Clinic
Classification: Uncertain significance. Last evaluated: 2021-11-22. Review status: criteria provided, single submitter. Criteria: ACMG Guidelines, 2015. Collection method: clinical testing. Allele origin: germline. Observed: 1 variant allele.
Comment: PM2

Literature cited by the submitters: PubMed 36531499 (cited by Women's Health and Genetics/Laboratory Corporation of America, LabCorp).